The following is an entry in ClinVar:

ClinVar aggregate classification (germline): Uncertain significance (1 of 4 stars; one submission).

Conditions:
Neurofibromatosis, type 1 (NF1). Also called: VON RECKLINGHAUSEN DISEASE; NEUROFIBROMATOSIS, TYPE I, SOMATIC; Peripheral type neurofibromatosis; Neurofibromatosis, type I. Identifiers: Orphanet 636, MedGen C0027831, MONDO:0018975, OMIM 162200. Disease mechanism: loss of function.

Submission:

Labcorp Genetics (formerly Invitae), Labcorp
Classification: Uncertain significance for Neurofibromatosis, type 1. Last evaluated: 2017-12-02. Review status: criteria provided, single submitter. Criteria: Invitae Variant Classification Sherloc (09022015). Collection method: clinical testing. Allele origin: germline.
Comment: Algorithms developed to predict the effect of sequence changes on RNA splicing suggest that this variant may disrupt the consensus splice site, but this prediction has not been confirmed by published transcriptional studies. This sequence change falls in intron 18 of the NF1 gene. It does not directly change the encoded amino acid sequence of the NF1 protein. This variant is not present in population databases (ExAC no frequency). This variant has not been reported in the literature in individuals with NF1-related disease. In summary, the available evidence is currently insufficient to determine the role of this variant in disease. Therefore, it has been classified as a Variant of Uncertain Significance.

NM_001042492.3(NF1):c.2252-9T>G

Gene: NF1 (neurofibromin 1; plus strand). Cytogenetic location: 17q11.2.
Variant type: single nucleotide variant.
Coding change: c.2252-9T>G on transcript NM_001042492.3 (MANE Select); 9 bases into the intron before coding-DNA position 2252, T replaced by G.
Molecular consequence: intron variant.
Genome position (GRCh38, 1-based): chr17:31,227,209, T>G. VCF-style: chr17-31227209-T-G. GRCh37 (hg19) VCF-style: chr17-29554227-T-G.
Other names: c.2252-9T>G (NM_000267.4).
Identifiers: ClinVar variation 527546 (VCV000527546.5), dbSNP rs1555613907, ClinGen allele CA658798783.